The following is an entry in ClinVar:

NM_001904.4(CTNNB1):c.1925_1926del (p.Glu642fs)

Gene: CTNNB1 (catenin beta 1; plus strand). Cytogenetic location: 3p22.1.
Variant type: Microsatellite.
Coding change: c.1925_1926del on transcript NM_001904.4 (MANE Select); coding-DNA positions 1925 to 1926, 2 bases deleted (AG; older notation c.1925_1926delAG).
Protein change: p.Glu642fs; shifts the reading frame from glutamic acid 642.
Molecular consequence: frameshift variant.
Genome position (GRCh38, 1-based): chr3:41,236,470-41,236,471, AG deleted; deleting any 2 consecutive bases within chr3:41,236,468-41,236,471 gives the same sequence; the c. name uses the placement nearest the transcript's 3' end. VCF-style (leftmost placement, unchanged base first): chr3-41236467-CAG-C. GRCh37 (hg19) VCF-style: chr3-41277958-CAG-C.
Other names: c.1925_1926del (NM_001904.3); c.1925_1926del, p.Glu642fs (NM_001098209.2, NM_001098210.2); c.1904_1905del, p.Glu635fs (NM_001330729.2); c.1925_1926delAG (NM_001904.4); short protein forms E642fs, E635fs.
Identifiers: ClinVar variation 503703 (VCV000503703.45), dbSNP rs1553632361, ClinGen allele CA658796288.

ClinVar aggregate classification (germline): Pathogenic. Review status: criteria provided, multiple submitters, no conflicts (2 of 4 stars). 10 submissions from 10 submitters: Pathogenic (10). Last evaluated 2026-04-14.

Conditions:
Inborn genetic diseases. Identifiers: MedGen C0950123, MeSH D030342.
Severe intellectual disability-progressive spastic diplegia syndrome (NEDSDV). Also called: NEURODEVELOPMENTAL DISORDER WITH SPASTIC DIPLEGIA AND VISUAL DEFECTS; CTNNB1 Neurodevelopmental Disorder. Identifiers: Orphanet 404473, MedGen C3554449, MONDO:0014035, OMIM 615075.

Submissions (10):

Greenwood Genetic Center Diagnostic Laboratories, Greenwood Genetic Center
Classification: Pathogenic for Severe intellectual disability-progressive spastic diplegia syndrome. Last evaluated: 2026-04-14. Review status: criteria provided, single submitter. Criteria: ACMG Guidelines, 2015. Collection method: clinical testing. Allele origin: germline. Affected: yes.
Comment: PVS1, PS4_Moderate, PM2, PM6

3billion
Classification: Pathogenic for Severe intellectual disability-progressive spastic diplegia syndrome. Last evaluated: 2024-12-19. Review status: criteria provided, single submitter. Criteria: ACMG Guidelines, 2015. Collection method: clinical testing. Allele origin: germline. Affected: yes.
Comment: The variant is not observed in the gnomAD v4.1.0 dataset. Predicted Consequence/Location: Frameshift: predicted to result in a loss or disruption of normal protein function through nonsense-mediated decay (NMD) or protein truncation. Multiple pathogenic variants are reported downstream of the variant. The variant has been reported at least twice as pathogenic with clinical assertions and evidence for the classification (ClinVar ID: VCV000503703 /PMID: 25326669 /3billion dataset). Therefore, this variant is classified as Pathogenic according to the recommendation of ACMG/AMP guideline.

Dasa
Classification: Pathogenic. Last evaluated: 2024-08-29. Review status: criteria provided, single submitter. Criteria: DASA Assertion Criteria. Collection method: clinical testing. Allele origin: germline.
Comment: NM_001904.4(CTNNB1):c.1925_1926del (p.Glu642Valfs*5) is a frameshift variant in CTNNB1 predicted to alter the reading frame and introduce a premature termination codon and is predicted to result in an absent or altered protein product. Loss of function is an established disease mechanism for CTNNB1 (PMID: 27915094; PMID: 23033978; PMID: 25326669). This variant has been recurrently observed in individuals with CTNNB1-related disorders (PMID: 25326669; PMID: 26845106; PMID: 36293418; PMID: 37455656). This variant has been reported as a de novo occurrence in an affected individual (PMID: 25326669; PMID: 37455656). Also, this variant is absent from population databases. Based on the currently available evidence, this variant is classified as pathogenic.

Labcorp Genetics (formerly Invitae), Labcorp
Classification: Pathogenic. Last evaluated: 2024-07-20. Review status: criteria provided, single submitter. Criteria: Invitae Variant Classification Sherloc (09022015). Collection method: clinical testing. Allele origin: germline.
Comment: This sequence change creates a premature translational stop signal (p.Glu642Valfs*5) in the CTNNB1 gene. It is expected to result in an absent or disrupted protein product. Loss-of-function variants in CTNNB1 are known to be pathogenic (PMID: 23033978, 24614104, 25326669, 26350204, 28575650). This variant is not present in population databases (gnomAD no frequency). This premature translational stop signal has been observed in individual(s) with microcephaly, developmental delay, intellectual disability, and severe hypotonia (PMID: 25326669, 26845106). In at least one individual the variant was observed to be de novo. ClinVar contains an entry for this variant (Variation ID: 503703). For these reasons, this variant has been classified as Pathogenic.

Neurometabolic Diseases Laboratory, Bellvitge Biomedical Research Institute (IDIBELL)
Classification: Pathogenic for Severe intellectual disability-progressive spastic diplegia syndrome. Last evaluated: 2023-04-27. Review status: criteria provided, single submitter. Criteria: ACMG Guidelines, 2015. Collection method: research. Allele origin: germline. Affected: yes.

GeneDx
Classification: Pathogenic. Last evaluated: 2022-07-28. Review status: criteria provided, single submitter. Criteria: GeneDx Variant Classification Process June 2021. Collection method: clinical testing. Allele origin: germline. Affected: yes.
Comment: Frameshift variant predicted to result in protein truncation or nonsense mediated decay in a gene for which loss of function is a known mechanism of disease; Not observed at significant frequency in large population cohorts (gnomAD); This variant is associated with the following publications: (PMID: 25326669, 26845106, 28191889, 33004838, 33994118)

New York Genome Center
Classification: Pathogenic for Severe intellectual disability-progressive spastic diplegia syndrome. Last evaluated: 2020-07-03. Review status: criteria provided, single submitter. Criteria: NYGC Assertion Criteria 2020. Collection method: clinical testing. Allele origin: de novo. Observed: 1 heterozygote. Study: CSER-NYCKidSeq.
Comment: The de novo c.1925_1926del (p.Glu642ValfsTer5) variant identified in the CTNNB1 gene is the deletion of two nucleotides resulting in a frameshift of the protein at amino acid 642/782 (exon 12/15), and is predicted to lead to the premature termination of the protein 5 amino acids downstream. This variant is absent from gnomAD(v3.0) suggesting it is not a common benign variant in the populations represented in that database. This variant is reported in ClinVar as Pathogenic (VarID:503703) and has been reported in multiple affected individuals in the literature [PMID:25326669,PMID:26845106]. Given its deleterious nature, presence de novo in this individual, absence in population databases, and observation in multiple affected individuals in the literature, the c.1925_1926del (p.Glu642ValfsTer5) variant identified in the CTNNB1 gene is reported as Pathogenic.

Ambry Genetics
Classification: Pathogenic for Inborn genetic diseases. Last evaluated: 2017-07-31. Review status: criteria provided, single submitter. Criteria: Ambry exome assertion method (8-5-2015). Collection method: clinical testing. Allele origin: germline. Affected: yes. Observed: 1 variant allele.

Clinical Genetics and Genomics, Karolinska University Hospital
Classification: Pathogenic. Last evaluated: 2016-10-14. Review status: criteria provided, single submitter. Criteria: ACMG Guidelines, 2015. Collection method: clinical testing. Allele origin: germline. Affected: yes. Observed: 1 variant allele.

Laboratoire de Génétique Moléculaire, CHU Bordeaux
Classification: Pathogenic. Review status: criteria provided, single submitter. Criteria: ACMG Guidelines, 2015. Collection method: clinical testing. Allele origin: germline. Affected: yes.

Literature cited by the submitters: PubMed 25326669 (cited by 4 submitters); PubMed 26845106 (cited by 3 submitters); PubMed 36293418 (cited by Dasa); PubMed 37455656 (cited by Dasa); PubMed 27915094 (cited by Dasa); PubMed 23033978 (cited by Dasa and Labcorp Genetics (formerly Invitae), Labcorp); PubMed 24614104 (cited by Labcorp Genetics (formerly Invitae), Labcorp); PubMed 26350204 (cited by Labcorp Genetics (formerly Invitae), Labcorp); PubMed 28575650 (cited by Labcorp Genetics (formerly Invitae), Labcorp).